The following is an entry in ClinVar:

NM_005431.2(XRCC2):c.191G>T (p.Arg64Leu)

Gene: XRCC2 (X-ray repair cross complementing 2; minus strand). Cytogenetic location: 7q36.1.
Variant type: single nucleotide variant.
Coding change: c.191G>T on transcript NM_005431.2 (MANE Select); coding-DNA position 191, G replaced by T.
Protein change: p.Arg64Leu; replaces arginine 64 with leucine.
Molecular consequence: missense variant.
Genome position (GRCh38, 1-based): chr7:152,649,294, C>A on the plus strand (G>T on the coding strand, the complement: XRCC2 is on the minus strand). VCF-style: chr7-152649294-C-A. GRCh37 (hg19) VCF-style: chr7-152346379-C-A.
Other names: short protein forms R64L.
Identifiers: ClinVar variation 4558643 (VCV004558643.1).

ClinVar aggregate classification (germline): Uncertain significance (1 of 4 stars; one submission).

Conditions:
Hereditary cancer-predisposing syndrome. Also called: Tumor predisposition; Hereditary Cancer Syndrome; Hereditary neoplastic syndrome; Neoplastic Syndromes, Hereditary. Identifiers: Orphanet 140162, MedGen C0027672, MeSH D009386, MONDO:0015356.

gnomAD v4.1: 4 of 1,613,318 alleles (0.00025%); highest among the groups gnomAD compares: Middle Eastern, 0.016%; no homozygotes.

Submission:

Ambry Genetics
Classification: Uncertain significance for Hereditary cancer-predisposing syndrome. Last evaluated: 2025-11-24. Review status: criteria provided, single submitter. Criteria: Ambry Variant Classification Scheme 2023. Collection method: clinical testing. Allele origin: germline.
Comment: The p.R64L variant (also known as c.191G>T), located in coding exon 3 of the XRCC2 gene, results from a G to T substitution at nucleotide position 191. The arginine at codon 64 is replaced by leucine, an amino acid with dissimilar properties. This amino acid position is conserved. In addition, the in silico prediction for this alteration is inconclusive. Based on the available evidence, the clinical significance of this variant remains unclear.